The following is an entry in ClinVar:

ClinVar aggregate classification (germline): Conflicting classifications of pathogenicity. Review status: criteria provided, conflicting classifications (1 of 4 stars). 2 submissions from 2 submitters: Uncertain significance (1); Likely benign (1). Last evaluated 2025-12-11.

Conditions:
TBX3-related disorder. Also called: TBX3-related condition.
Inborn genetic diseases. Identifiers: MedGen C0950123, MeSH D030342.

Allele frequency attached by ClinVar (database versions not stated): gnomAD 0.00012; TOPMed 0.00012.
gnomAD v4.1: 36 of 1,551,880 alleles (0.0023%); highest among the groups gnomAD compares: African/African-American, 0.034%; no homozygotes.

Submissions (2):

Ambry Genetics
Classification: Uncertain significance for Inborn genetic diseases. Last evaluated: 2025-12-11. Review status: criteria provided, single submitter. Criteria: Ambry Variant Classification Scheme 2023. Collection method: clinical testing. Allele origin: germline.

PreventionGenetics, part of Exact Sciences
Classification: Likely benign for TBX3-related condition. Last evaluated: 2025-04-29. Review status: criteria provided, single submitter. Criteria: ACMG Guidelines, 2015. Collection method: clinical testing. Allele origin: germline.
Comment: This variant is classified as likely benign based on ACMG/AMP sequence variant interpretation guidelines (Richards et al. 2015 PMID: 25741868, with internal and published modifications).

NM_005996.4(TBX3):c.1481A>G (p.Asn494Ser)

Gene: TBX3 (T-box transcription factor 3; minus strand). Cytogenetic location: 12q24.21.
Variant type: single nucleotide variant.
Coding change: c.1481A>G on transcript NM_005996.4 (MANE Select); coding-DNA position 1481, A replaced by G.
Protein change: p.Asn494Ser; replaces asparagine 494 with serine.
Molecular consequence: missense variant.
Genome position (GRCh38, 1-based): chr12:114,674,394, T>C on the plus strand (A>G on the coding strand, the complement: TBX3 is on the minus strand). VCF-style: chr12-114674394-T-C. GRCh37 (hg19) VCF-style: chr12-115112199-T-C.
Other names: c.1541A>G, p.Asn514Ser (NM_016569.4); c.1481A>G (NM_005996.3); short protein forms N494S, N514S.
Identifiers: ClinVar variation 3044551 (VCV003044551.4), dbSNP rs750157618, ClinGen allele CA6809911.